The following is an entry in ClinVar:

ClinVar aggregate classification (germline): Likely benign (0 of 4 stars; one submission).

Conditions:
PLXNA3-related disorder. Also called: PLXNA3-related condition.

gnomAD v4.1: 81 of 1,188,904 alleles (0.0068%); highest among the groups gnomAD compares: Non-Finnish European, 0.0081%; no homozygotes.

Submission:

PreventionGenetics, part of Exact Sciences
Classification: Likely benign for PLXNA3-related condition. Last evaluated: 2023-11-30. Review status: no assertion criteria provided. Collection method: clinical testing. Allele origin: germline.
Comment: This variant is classified as likely benign based on ACMG/AMP sequence variant interpretation guidelines (Richards et al. 2015 PMID: 25741868, with internal and published modifications).

NM_017514.5(PLXNA3):c.1575C>T (p.Gly525=)

Gene: PLXNA3 (plexin A3; plus strand). Cytogenetic location: Xq28.
Variant type: single nucleotide variant.
Coding change: c.1575C>T on transcript NM_017514.5 (MANE Select); coding-DNA position 1575, C replaced by T.
Protein change: p.Gly525=; no amino-acid change (glycine 525 retained).
Molecular consequence: synonymous variant.
Genome position (GRCh38, 1-based): chrX:154,463,978, C>T. VCF-style: chrX-154463978-C-T. GRCh37 (hg19) VCF-style: chrX-153692321-C-T.
Identifiers: ClinVar variation 3350905 (VCV003350905.1).
Genomic context (GRCh38, chrX:154,463,978, plus strand): 5'-TGGCGGGACCGGCTCTGGCCCGACCCCGTGCAGGTGCTGCCGCGAAGGGGCCTGTCTGGG[C>T]GCCTCTGCCCCACACGGCTTTGCTGAGGAGCTGAGCAAGTGTGTCCAGGTGCGGGTCCGG-3'
Protein context (NP_059984.3, residues 515-535): HRCCREGACL[Gly525=]ASAPHGFAEE